The following is an entry in ClinVar:

ClinVar aggregate classification (germline): Uncertain significance (1 of 4 stars; one submission).

gnomAD v4.1: 2 of 1,614,086 alleles (0.00012%); highest among the groups gnomAD compares: Non-Finnish European, 0.00017%; no homozygotes.

Submission:

Ambry Genetics
Classification: Uncertain significance. Last evaluated: 2022-10-20. Review status: criteria provided, single submitter. Criteria: Ambry Variant Classification Scheme 2023. Collection method: clinical testing. Allele origin: germline.
Comment: The p.K564R variant (also known as c.1691A>G), located in coding exon 11 of the POLQ gene, results from an A to G substitution at nucleotide position 1691. The lysine at codon 564 is replaced by arginine, an amino acid with highly similar properties. This amino acid position is conserved. In addition, this alteration is predicted to be tolerated by in silico analysis. Since supporting evidence is limited at this time, the clinical significance of this alteration remains unclear.

NM_199420.4(POLQ):c.1691A>G (p.Lys564Arg)

Gene: POLQ (DNA polymerase theta; minus strand). Cytogenetic location: 3q13.33.
Variant type: single nucleotide variant.
Coding change: c.1691A>G on transcript NM_199420.4 (MANE Select); coding-DNA position 1691, A replaced by G.
Protein change: p.Lys564Arg; replaces lysine 564 with arginine.
Molecular consequence: missense variant.
Genome position (GRCh38, 1-based): chr3:121,510,164, T>C on the plus strand (A>G on the coding strand, the complement: POLQ is on the minus strand). VCF-style: chr3-121510164-T-C. GRCh37 (hg19) VCF-style: chr3-121229011-T-C.
Other names: short protein forms K564R.
Identifiers: ClinVar variation 1778137 (VCV001778137.2), dbSNP rs2546802654, ClinGen allele CA354115010.